The following is an entry in ClinVar:

NM_006767.4(LZTR1):c.714_783dup (p.Asp262delinsGlnAspValCysIleLeuTrpAlaLysArgSerGlnAsnAsnGlnGlnProLeuProValTer)

Gene: LZTR1 (leucine zipper like post translational regulator 1; plus strand). Cytogenetic location: 22q11.21.
Variant type: Duplication.
Coding change: c.714_783dup on transcript NM_006767.4 (MANE Select); coding-DNA positions 714 to 783, 70 bases duplicated.
Protein change: p.Asp262delinsGlnAspValCysIleLeuTrpAlaLysArgSerGlnAsnAsnGlnGlnProLeuProValTer.
Molecular consequence: nonsense.
Genome position (GRCh38, 1-based): chr22:20,990,448-20,990,517, 70 bases duplicated. GRCh37 (hg19): chr22:21,344,737-21,344,806.
Other names: c.714_783dup70 (NM_006767.4).
Identifiers: ClinVar variation 917769 (VCV000917769.2), dbSNP rs1924566447, ClinGen allele CA1139666972.

ClinVar aggregate classification (germline): Pathogenic (1 of 4 stars; one submission).

Conditions:
Schwannomatosis (SWNTS1). Identifiers: Orphanet 93921, MedGen C1335929, MeSH C536641, MONDO:0008075.

Submission:

Women's Health and Genetics/Laboratory Corporation of America, LabCorp
Classification: Pathogenic for Schwannomatosis. Last evaluated: 2024-08-26. Review status: criteria provided, single submitter. Criteria: LabCorp Variant Classification Summary - May 2015. Collection method: clinical testing. Allele origin: germline.
Comment: Variant summary: LZTR1 c.714_783dup70 (p.Asp262GlnfsX21) results in a premature termination codon, predicted to cause a truncation of the encoded protein or absence of the protein due to nonsense mediated decay, which are commonly known mechanisms for disease. The variant was absent in 251362 control chromosomes. To our knowledge, no occurrence of c.714_783dup70 in individuals affected with LZTR1-related conditions and no experimental evidence demonstrating its impact on protein function have been reported. ClinVar contains an entry for this variant (Variation ID: 917769). Germline loss of function mutations in LZTR1 have been reported to predispose to an inherited disorder of multiple schwannomas (Piotrowski_2014) and recessive Noonan syndrome (Johnston_2018). Based on the evidence outlined above, the variant was classified as pathogenic for the risk of multiple schwannomas and recessive Noonan syndrome.